The following is an entry in ClinVar:

NM_000441.2(SLC26A4):c.310del (p.Ala104fs)

Gene: SLC26A4 (solute carrier family 26 member 4; plus strand). Cytogenetic location: 7q22.3.
Variant type: Deletion.
Coding change: c.310del on transcript NM_000441.2 (MANE Select); coding-DNA position 310, one base deleted (G; older notation c.310delG).
Protein change: p.Ala104fs; shifts the reading frame from alanine 104.
Molecular consequence: frameshift variant.
Genome position (GRCh38, 1-based): chr7:107,672,143, G deleted; the last of 2 consecutive G bases (chr7:107,672,142-107,672,143); deleting either gives the same sequence. VCF-style (leftmost placement, unchanged base first): chr7-107672141-TG-T. GRCh37 (hg19) VCF-style: chr7-107312586-TG-T.
Other names: short protein forms A104fs.
Identifiers: ClinVar variation 5012479 (VCV005012479.1).

ClinVar aggregate classification (germline): Pathogenic (1 of 4 stars; one submission).

Conditions:
Pendred syndrome (PDS). Also called: Pendred Syndrome (PDS); DEAFNESS WITH GOITER; GOITER-DEAFNESS SYNDROME; HYPOTHYROIDISM, CONGENITAL, DUE TO DYSHORMONOGENESIS, 2B; THYROID DYSHORMONOGENESIS 2B; THYROID HORMONOGENESIS, GENETIC DEFECT IN, 2B. Identifiers: Orphanet 705, MedGen C0271829, MONDO:0010134, OMIM 274600.

Submission:

Myriad Genetics, Inc.
Classification: Pathogenic for Pendred syndrome. Last evaluated: 2023-11-13. Review status: criteria provided, single submitter. Criteria: Myriad Autosomal Dominant, Autosomal Recessive and X-Linked Classification Criteria (2023). Collection method: clinical testing. Allele origin: unknown.
Comment: NM_000441.1(SLC26A4):c.310delG(A104Hfs*5) is expected to be pathogenic in the context of Pendred syndrome. This variant is predicted to lead to an abnormal or absent protein product due to the creation of a premature termination codon in SLC26A4, a gene where loss-of-function variants are known to be pathogenic. Please note: this variant was assessed in the context of healthy population screening.